The following is an entry in ClinVar:

ClinVar aggregate classification (germline): Uncertain significance. Review status: criteria provided, multiple submitters, no conflicts (2 of 4 stars). 3 submissions from 3 submitters: Uncertain significance (3). Last evaluated 2025-05-04.

Allele frequency attached by ClinVar (database versions not stated): gnomAD exomes 0.00003 and 0.00010; 1000 Genomes Project 30x 0.00078; gnomAD 0.00033 and 0.00034; TOPMed 0.00037; 1000 Genomes Project 0.00080; ExAC 0.00014; ESP Exome Variant Server 0.00038.

Submissions (3):

Ambry Genetics
Classification: Uncertain significance. Last evaluated: 2025-05-04. Review status: criteria provided, single submitter. Criteria: Ambry Variant Classification Scheme 2023. Collection method: clinical testing. Allele origin: germline.

Labcorp Genetics (formerly Invitae), Labcorp
Classification: Uncertain significance. Last evaluated: 2025-01-06. Review status: criteria provided, single submitter. Criteria: Invitae Variant Classification Sherloc (09022015). Collection method: clinical testing. Allele origin: germline.
Comment: This sequence change replaces methionine, which is neutral and non-polar, with isoleucine, which is neutral and non-polar, at codon 178 of the RUSC2 protein (p.Met178Ile). This variant is present in population databases (rs143367869, gnomAD 0.1%). This variant has not been reported in the literature in individuals affected with RUSC2-related conditions. ClinVar contains an entry for this variant (Variation ID: 1525776). An algorithm developed to predict the effect of missense changes on protein structure and function (PolyPhen-2) suggests that this variant¬†is likely to be tolerated. In summary, the available evidence is currently insufficient to determine the role of this variant in disease. Therefore, it has been classified as a Variant of Uncertain Significance.

Breakthrough Genomics
Classification: Uncertain significance. Review status: criteria provided, single submitter. Criteria: ACMG Guidelines, 2015. Collection method: not provided. Allele origin: germline. Inheritance: Autosomal recessive inheritance. Affected: yes.

NM_014806.5(RUSC2):c.534G>A (p.Met178Ile)

Gene: RUSC2 (RUN and SH3 domain containing 2; plus strand). Cytogenetic location: 9p13.3.
Variant type: single nucleotide variant.
Coding change: c.534G>A on transcript NM_014806.5 (MANE Select); coding-DNA position 534, G replaced by A.
Protein change: p.Met178Ile; replaces methionine 178 with isoleucine.
Molecular consequence: missense variant. On other transcripts: non-coding transcript variant (1), intron variant (1).
Genome position (GRCh38, 1-based): chr9:35,547,055, G>A. VCF-style: chr9-35547055-G-A. GRCh37 (hg19) VCF-style: chr9-35547052-G-A.
Other names: c.534G>A, p.Met178Ile (NM_001135999.2); c.-620-8005G>A (NM_001330740.2); c.534G>A (NM_001135999.1); short protein forms M178I.
Identifiers: ClinVar variation 1525776 (VCV001525776.6), dbSNP rs143367869, ClinGen allele CA5043489.